The following is an entry in ClinVar:

NM_033448.3(KRT71):c.217C>T (p.Arg73Trp)

Gene: KRT71 (keratin 71; minus strand). Cytogenetic location: 12q13.13.
Variant type: single nucleotide variant.
Coding change: c.217C>T on transcript NM_033448.3 (MANE Select); coding-DNA position 217, C replaced by T.
Protein change: p.Arg73Trp; replaces arginine 73 with tryptophan.
Molecular consequence: missense variant.
Genome position (GRCh38, 1-based): chr12:52,552,861, G>A on the plus strand (C>T on the coding strand, the complement: KRT71 is on the minus strand). VCF-style: chr12-52552861-G-A. GRCh37 (hg19) VCF-style: chr12-52946645-G-A.
Other names: short protein forms R73W.
Identifiers: ClinVar variation 4045099 (VCV004045099.2).

ClinVar aggregate classification (germline): Uncertain significance. Review status: criteria provided, multiple submitters, no conflicts (2 of 4 stars). 2 submissions from 2 submitters: Uncertain significance (2). Last evaluated 2025-04-22.

Submissions (2):

Labcorp Genetics (formerly Invitae), Labcorp
Classification: Uncertain significance. Last evaluated: 2025-04-22. Review status: criteria provided, single submitter. Criteria: Invitae Variant Classification Sherloc (09022015). Collection method: clinical testing. Allele origin: germline.
Comment: This sequence change replaces arginine, which is basic and polar, with tryptophan, which is neutral and slightly polar, at codon 73 of the KRT71 protein (p.Arg73Trp). This variant is present in population databases (rs182131096, gnomAD 0.04%). This variant has not been reported in the literature in individuals affected with KRT71-related conditions. Invitae Evidence Modeling of protein sequence and biophysical properties (such as structural, functional, and spatial information, amino acid conservation, physicochemical variation, residue mobility, and thermodynamic stability) indicates that this missense variant is not expected to disrupt KRT71 protein function with a negative predictive value of 80%. In summary, the available evidence is currently insufficient to determine the role of this variant in disease. Therefore, it has been classified as a Variant of Uncertain Significance.

Ambry Genetics
Classification: Uncertain significance. Last evaluated: 2025-03-28. Review status: criteria provided, single submitter. Criteria: Ambry Variant Classification Scheme 2023. Collection method: clinical testing. Allele origin: germline.